The following is an entry in ClinVar:

ClinVar aggregate classification (germline): Uncertain significance (1 of 4 stars; one submission).

Allele frequency attached by ClinVar (database versions not stated): TOPMed below 0.00001.
gnomAD v4.1: 6 of 1,613,638 alleles (0.00037%); highest among the groups gnomAD compares: Middle Eastern, 0.033%; no homozygotes.

Submission:

Labcorp Genetics (formerly Invitae), Labcorp
Classification: Uncertain significance. Last evaluated: 2023-06-20. Review status: criteria provided, single submitter. Criteria: Invitae Variant Classification Sherloc (09022015). Collection method: clinical testing. Allele origin: germline.
Comment: This sequence change replaces glutamic acid, which is acidic and polar, with aspartic acid, which is acidic and polar, at codon 2295 of the ACAN protein (p.Glu2295Asp). This variant is not present in population databases (gnomAD no frequency). This variant has not been reported in the literature in individuals affected with ACAN-related conditions. ClinVar contains an entry for this variant (Variation ID: 2096525). An algorithm developed to predict the effect of missense changes on protein structure and function (PolyPhen-2) suggests that this variant is likely to be tolerated. In summary, the available evidence is currently insufficient to determine the role of this variant in disease. Therefore, it has been classified as a Variant of Uncertain Significance.

NM_001369268.1(ACAN):c.6885G>C (p.Glu2295Asp)

Gene: ACAN (aggrecan; plus strand). Cytogenetic location: 15q26.1.
Variant type: single nucleotide variant.
Coding change: c.6885G>C on transcript NM_001369268.1 (MANE Select); coding-DNA position 6885, G replaced by C.
Protein change: p.Glu2295Asp; replaces glutamic acid 2295 with aspartic acid.
Molecular consequence: missense variant. On other transcripts: intron variant (1).
Genome position (GRCh38, 1-based): chr15:88,860,378, G>C. VCF-style: chr15-88860378-G-C. GRCh37 (hg19) VCF-style: chr15-89403609-G-C.
Other names: c.6885G>C, p.Glu2295Asp (NM_013227.4); c.6832+961G>C (NM_001135.4); short protein forms E2295D.
Identifiers: ClinVar variation 2096525 (VCV002096525.4), dbSNP rs1897170033, ClinGen allele CA393728192.